The following is an entry in ClinVar:

ClinVar aggregate classification (germline): Uncertain significance. Review status: criteria provided, multiple submitters, no conflicts (2 of 4 stars). 2 submissions from 2 submitters: Uncertain significance (2). Last evaluated 2026-06-17.

Conditions:
Inborn genetic diseases. Identifiers: MedGen C0950123, MeSH D030342.
CEP290-related disorder. Also called: CEP290-related condition; CEP290-related disorders. Identifiers: MedGen CN239314.

gnomAD v4.1: 10 of 1,582,880 alleles (0.00063%); highest among the groups gnomAD compares: African/African-American, 0.012%; no homozygotes.

Submissions (2):

PreventionGenetics, part of Exact Sciences
Classification: Uncertain significance for CEP290-related condition. Last evaluated: 2026-06-17. Review status: criteria provided, single submitter. Criteria: ACMG Guidelines, 2015. Collection method: clinical testing. Allele origin: germline.
Comment: The CEP290 c.4793A>C variant is predicted to result in the amino acid substitution p.Lys1598Thr. To our knowledge, this variant has not been reported in the literature. This variant is reported in 0.022% of alleles in individuals of African descent in gnomAD. At this time, the clinical significance of this variant is uncertain due to the absence of conclusive functional and genetic evidence.

Ambry Genetics
Classification: Uncertain significance for Inborn genetic diseases. Last evaluated: 2024-06-17. Review status: criteria provided, single submitter. Criteria: Ambry Variant Classification Scheme 2023. Collection method: clinical testing. Allele origin: germline.

NM_025114.4(CEP290):c.4793A>C (p.Lys1598Thr)

Gene: CEP290 (centrosomal protein 290; minus strand). Cytogenetic location: 12q21.32.
Variant type: single nucleotide variant.
Coding change: c.4793A>C on transcript NM_025114.4 (MANE Select); coding-DNA position 4793, A replaced by C.
Protein change: p.Lys1598Thr; replaces lysine 1598 with threonine.
Molecular consequence: missense variant.
Genome position (GRCh38, 1-based): chr12:88,083,866, T>G on the plus strand (A>C on the coding strand, the complement: CEP290 is on the minus strand). VCF-style: chr12-88083866-T-G. GRCh37 (hg19) VCF-style: chr12-88477643-T-G.
Other names: short protein forms K1598T.
Identifiers: ClinVar variation 3266155 (VCV003266155.2).